The following is an entry in ClinVar:

ClinVar aggregate classification (germline): Likely benign (0 of 4 stars; one submission).

Conditions:
HDAC4-related disorder. Also called: HDAC4-related condition.

gnomAD v4.1: 11 of 1,591,278 alleles (0.00069%); highest among the groups gnomAD compares: Admixed American, 0.007%; no homozygotes.

Submission:

PreventionGenetics, part of Exact Sciences
Classification: Likely benign for HDAC4-related condition. Last evaluated: 2022-12-29. Review status: no assertion criteria provided. Collection method: clinical testing. Allele origin: germline.
Comment: This variant is classified as likely benign based on ACMG/AMP sequence variant interpretation guidelines (Richards et al. 2015 PMID: 25741868, with internal and published modifications).

NM_001378414.1(HDAC4):c.1792-4G>T

Gene: HDAC4 (histone deacetylase 4; minus strand). Cytogenetic location: 2q37.3.
Variant type: single nucleotide variant.
Coding change: c.1792-4G>T on transcript NM_001378414.1 (MANE Select); 4 bases into the intron before coding-DNA position 1792, G replaced by T.
Molecular consequence: intron variant.
Genome position (GRCh38, 1-based): chr2:239,111,716, C>A on the plus strand (G>T on the coding strand, the complement: HDAC4 is on the minus strand). VCF-style: chr2-239111716-C-A. GRCh37 (hg19) VCF-style: chr2-240033412-C-A.
Other names: c.1777-4G>T (NM_001378417.1, NM_001378416.1, NM_006037.4); c.1792-4G>T (NM_001378415.1).
Identifiers: ClinVar variation 3060547 (VCV003060547.2), dbSNP rs371350686, ClinGen allele CA540751330.